The following is an entry in ClinVar:

ClinVar aggregate classification (germline): Likely benign. Review status: criteria provided, multiple submitters, no conflicts (2 of 4 stars). 2 submissions from 2 submitters: Likely benign (2). Last evaluated 2019-07-11.

Conditions:
Inborn genetic diseases. Identifiers: MedGen C0950123, MeSH D030342.

Allele frequency attached by ClinVar (database versions not stated): gnomAD exomes 0.00001.

Submissions (2):

Ambry Genetics
Classification: Likely benign for Inborn genetic diseases. Last evaluated: 2019-07-11. Review status: criteria provided, single submitter. Criteria: Ambry Variant Classification Scheme 2023. Collection method: clinical testing. Allele origin: germline.

GeneDx
Classification: Likely benign. Last evaluated: 2016-01-12. Review status: criteria provided, single submitter. Criteria: GeneDx Variant Classification (06012015). Collection method: clinical testing. Allele origin: germline. Affected: yes.
Comment: This variant is considered likely benign or benign based on one or more of the following criteria: it is a conservative change, it occurs at a poorly conserved position in the protein, it is predicted to be benign by multiple in silico algorithms, and/or has population frequency not consistent with disease.

NM_001005373.4(LRSAM1):c.2019A>G (p.Ser673=)

Gene: LRSAM1 (leucine rich repeat and sterile alpha motif containing 1; plus strand). Cytogenetic location: 9q34.11.
Variant type: single nucleotide variant.
Coding change: c.2019A>G on transcript NM_001005373.4 (MANE Select); coding-DNA position 2019, A replaced by G.
Protein change: p.Ser673=; no amino-acid change (serine 673 retained).
Molecular consequence: synonymous variant. On other transcripts: non-coding transcript variant (2).
Genome position (GRCh38, 1-based): chr9:127,501,116, A>G. VCF-style: chr9-127501116-A-G. GRCh37 (hg19) VCF-style: chr9-130263395-A-G.
Other names: c.2019A>G, p.Ser673= (NM_001005374.4, NM_001384142.1, NM_138361.5); c.1938A>G, p.Ser646= (NM_001190723.3); c.1920A>G, p.Ser640= (NM_001384143.1); c.1230A>G, p.Ser410= (NM_001384144.1); c.2019A>G (NM_138361.4).
Identifiers: ClinVar variation 382733 (VCV000382733.3), dbSNP rs1057521438, ClinGen allele CA16605315.
Genomic context (GRCh38, chr9:127,501,116, plus strand): 5'-GGAGCCTCCTGAGTCTGTGAGGCCATCCGCTCCCCCTGCAGAGCTGGAGGTGCAGGCCTC[A>G]GAGTGTGTCGTGTGCCTGGAACGGGAGGTAAGTCCGGGGCCCTCCCCACCCGCCTGCCCT-3'
Protein context (NP_001005373.1, residues 663-683): APPAELEVQA[Ser673=]ECVVCLEREA